The following is an entry in ClinVar:

NM_001035.3(RYR2):c.11800A>T (p.Ser3934Cys)

Gene: RYR2 (ryanodine receptor 2; plus strand). Cytogenetic location: 1q43.
Variant type: single nucleotide variant.
Coding change: c.11800A>T on transcript NM_001035.3 (MANE Select); coding-DNA position 11800, A replaced by T.
Protein change: p.Ser3934Cys; replaces serine 3934 with cysteine.
Molecular consequence: missense variant.
Genome position (GRCh38, 1-based): chr1:237,778,690, A>T. VCF-style: chr1-237778690-A-T. GRCh37 (hg19) VCF-style: chr1-237941990-A-T.
Other names: short protein forms S3934C.
Identifiers: ClinVar variation 2754529 (VCV002754529.3), dbSNP rs2527697416, ClinGen allele CA345409104.

ClinVar aggregate classification (germline): Uncertain significance (1 of 4 stars; one submission).

Conditions:
Catecholaminergic polymorphic ventricular tachycardia 1. Also called: VENTRICULAR TACHYCARDIA, STRESS-INDUCED POLYMORPHIC 1; VENTRICULAR TACHYCARDIA, CATECHOLAMINERGIC POLYMORPHIC, 1, WITH OR WITHOUT ATRIAL DYSFUNCTION AND/OR DILATED CARDIOMYOPATHY; RYR2-Related Catecholaminergic Polymorphic Ventricular Tachycardia. Identifiers: Orphanet 3286, MedGen C1631597, MONDO:0011484, OMIM 604772.

Submission:

Labcorp Genetics (formerly Invitae), Labcorp
Classification: Uncertain significance for Catecholaminergic polymorphic ventricular tachycardia 1. Last evaluated: 2023-09-26. Review status: criteria provided, single submitter. Criteria: Invitae Variant Classification Sherloc (09022015). Collection method: clinical testing. Allele origin: germline.
Comment: This sequence change replaces serine, which is neutral and polar, with cysteine, which is neutral and slightly polar, at codon 3934 of the RYR2 protein (p.Ser3934Cys). This variant is not present in population databases (gnomAD no frequency). This variant has not been reported in the literature in individuals affected with RYR2-related conditions. Advanced modeling of protein sequence and biophysical properties (such as structural, functional, and spatial information, amino acid conservation, physicochemical variation, residue mobility, and thermodynamic stability) performed at Invitae indicates that this missense variant is expected to disrupt RYR2 protein function. In summary, the available evidence is currently insufficient to determine the role of this variant in disease. Therefore, it has been classified as a Variant of Uncertain Significance.